The following is an entry in ClinVar:

NM_020822.3(KCNT1):c.1970C>G (p.Pro657Arg)

Gene: KCNT1 (potassium sodium-activated channel subfamily T member 1; plus strand). Cytogenetic location: 9q34.3.
Variant type: single nucleotide variant.
Coding change: c.1970C>G on transcript NM_020822.3 (MANE Select); coding-DNA position 1970, C replaced by G.
Protein change: p.Pro657Arg; replaces proline 657 with arginine.
Molecular consequence: missense variant.
Genome position (GRCh38, 1-based): chr9:135,771,057, C>G. VCF-style: chr9-135771057-C-G. GRCh37 (hg19) VCF-style: chr9-138662903-C-G.
Other names: c.1835C>G, p.Pro612Arg (NM_001272003.2); short protein forms P657R, P612R.
Identifiers: ClinVar variation 1959023 (VCV001959023.5), dbSNP rs566157365, ClinGen allele CA375508757.

ClinVar aggregate classification (germline): Uncertain significance (1 of 4 stars; one submission).

Conditions:
Autosomal dominant nocturnal frontal lobe epilepsy 5. Also called: Epilepsy, nocturnal frontal lobe, 5; CILIARY DYSKINESIA, PRIMARY, 28, WITHOUT SITUS INVERSUS; CILIARY DYSKINESIA, PRIMARY, 28, WITH SITUS INVERSUS; KCNT1-Related Epilepsy. Identifiers: Orphanet 98784, MedGen C3554306, MONDO:0014002, OMIM 615005.
Developmental and epileptic encephalopathy, 14 (DEE14). Also called: Early infantile epileptic encephalopathy 14. Identifiers: Orphanet 293181, MedGen C3554195, MONDO:0013989, OMIM 614959.

Submission:

Labcorp Genetics (formerly Invitae), Labcorp
Classification: Uncertain significance for Autosomal dominant nocturnal frontal lobe epilepsy 5; Developmental and epileptic encephalopathy, 14. Last evaluated: 2024-01-15. Review status: criteria provided, single submitter. Criteria: Invitae Variant Classification Sherloc (09022015). Collection method: clinical testing. Allele origin: germline.
Comment: This sequence change replaces proline, which is neutral and non-polar, with arginine, which is basic and polar, at codon 657 of the KCNT1 protein (p.Pro657Arg). This variant is not present in population databases (gnomAD no frequency). This variant has not been reported in the literature in individuals affected with KCNT1-related conditions. ClinVar contains an entry for this variant (Variation ID: 1959023). Advanced modeling of protein sequence and biophysical properties (such as structural, functional, and spatial information, amino acid conservation, physicochemical variation, residue mobility, and thermodynamic stability) performed at Invitae indicates that this missense variant is not expected to disrupt KCNT1 protein function with a negative predictive value of 80%. In summary, the available evidence is currently insufficient to determine the role of this variant in disease. Therefore, it has been classified as a Variant of Uncertain Significance.